The following is an entry in ClinVar:

ClinVar aggregate classification (germline): Conflicting classifications of pathogenicity. Review status: criteria provided, conflicting classifications (1 of 4 stars). 2 submissions from 2 submitters: Uncertain significance (1); Likely benign (1). Last evaluated 2025-10-16.

Allele frequency attached by ClinVar (database versions not stated): TOPMed 0.00001; ESP Exome Variant Server 0.00008.
gnomAD v4.1: 12 of 1,608,284 alleles (0.00075%); highest among the groups gnomAD compares: Non-Finnish European, 0.00093%; no homozygotes.

Submissions (2):

Labcorp Genetics (formerly Invitae), Labcorp
Classification: Likely benign. Last evaluated: 2025-10-16. Review status: criteria provided, single submitter. Criteria: Invitae Variant Classification Sherloc (09022015). Collection method: clinical testing. Allele origin: germline.

GeneDx
Classification: Uncertain significance. Last evaluated: 2023-01-18. Review status: criteria provided, single submitter. Criteria: GeneDx Variant Classification Process June 2021. Collection method: clinical testing. Allele origin: germline. Affected: yes.
Comment: Not observed at significant frequency in large population cohorts (gnomAD); In silico analysis supports that this missense variant has a deleterious effect on protein structure/function; Has not been previously published as pathogenic or benign to our knowledge; Other missense variants that introduce a cysteine residue in the triple helical domain have been reported in association with COL2A1-related conditions (HGMD)

NM_001844.5(COL2A1):c.3316C>T (p.Arg1106Trp)

Gene: COL2A1 (collagen type II alpha 1 chain; minus strand). Cytogenetic location: 12q13.11.
Variant type: single nucleotide variant.
Coding change: c.3316C>T on transcript NM_001844.5 (MANE Select); coding-DNA position 3316, C replaced by T.
Protein change: p.Arg1106Trp; replaces arginine 1106 with tryptophan.
Molecular consequence: missense variant.
Genome position (GRCh38, 1-based): chr12:47,977,113, G>A on the plus strand (C>T on the coding strand, the complement: COL2A1 is on the minus strand). VCF-style: chr12-47977113-G-A. GRCh37 (hg19) VCF-style: chr12-48370896-G-A.
Other names: c.3316C>T (NM_001844.4); c.3109C>T, p.Arg1037Trp (NM_033150.3); short protein forms R1037W, R1106W.
Identifiers: ClinVar variation 1482634 (VCV001482634.6), dbSNP rs374036874, ClinGen allele CA6534797.
Genomic context (GRCh38, chr12:47,977,113, plus strand): 5'-CCCAGCCTATCCCTGGTGGGGACTCAGTGCAGGACACTTGGATACTCACCTGGATTCCCC[G>A]GGCTCCAGCTGGTCCTGAGGGTCCCATGGGGCCTTGTGCACCCTGAGGAGAGAGTGAGCG-3'
Protein context (NP_001835.3, residues 1096-1116): PMGPSGPAGA[Arg1106Trp]GIQGPQGPRG